The following is an entry in ClinVar:

ClinVar aggregate classification (germline): Uncertain significance. Review status: criteria provided, multiple submitters, no conflicts (2 of 4 stars). 2 submissions from 2 submitters: Uncertain significance (2). Last evaluated 2024-08-14.

Conditions:
Inborn genetic diseases. Identifiers: MedGen C0950123, MeSH D030342.
Autosomal dominant limb-girdle muscular dystrophy type 1D (DNAJB6) (LGMDD1). Also called: MUSCULAR DYSTROPHY, LIMB-GIRDLE, TYPE 1D; Autosomal dominant limb-girdle muscular dystrophy type 1D; Muscular dystrophy, limb-girdle, autosomal dominant 1; MUSCULAR DYSTROPHY, AUTOSOMAL DOMINANT, WITH RIMMED VACUOLES. Identifiers: Orphanet 34516, MedGen C4721885, MONDO:0021018, OMIM 603511.

Allele frequency attached by ClinVar (database versions not stated): gnomAD exomes 0.00001.
gnomAD v4.1: 8 of 1,533,362 alleles (0.00052%); highest among the groups gnomAD compares: African/African-American, 0.0014%; no homozygotes.

Submissions (2):

Ambry Genetics
Classification: Uncertain significance for Inborn genetic diseases. Last evaluated: 2024-08-14. Review status: criteria provided, single submitter. Criteria: Ambry Variant Classification Scheme 2023. Collection method: clinical testing. Allele origin: germline.

Labcorp Genetics (formerly Invitae), Labcorp
Classification: Uncertain significance for Autosomal dominant limb-girdle muscular dystrophy type 1D (DNAJB6). Last evaluated: 2022-06-25. Review status: criteria provided, single submitter. Criteria: Invitae Variant Classification Sherloc (09022015). Collection method: clinical testing. Allele origin: germline.
Comment: This sequence change replaces arginine, which is basic and polar, with cysteine, which is neutral and slightly polar, at codon 258 of the DNAJB6 protein (p.Arg258Cys). This variant is not present in population databases (gnomAD no frequency). This variant has not been reported in the literature in individuals affected with DNAJB6-related conditions. Algorithms developed to predict the effect of missense changes on protein structure and function are either unavailable or do not agree on the potential impact of this missense change (SIFT: "Tolerated"; PolyPhen-2: "Not Available"; Align-GVGD: "Class C0"). In summary, the available evidence is currently insufficient to determine the role of this variant in disease. Therefore, it has been classified as a Variant of Uncertain Significance.

NM_058246.4(DNAJB6):c.772C>T (p.Arg258Cys)

Gene: DNAJB6 (DnaJ heat shock protein family (Hsp40) member B6; plus strand). Cytogenetic location: 7q36.3.
Variant type: single nucleotide variant.
Coding change: c.772C>T on transcript NM_058246.4 (MANE Select); coding-DNA position 772, C replaced by T.
Protein change: p.Arg258Cys; replaces arginine 258 with cysteine.
Molecular consequence: missense variant.
Genome position (GRCh38, 1-based): chr7:157,409,875, C>T. VCF-style: chr7-157409875-C-T. GRCh37 (hg19) VCF-style: chr7-157202569-C-T.
Other names: c.772C>T (NM_058246.3); c.427C>T, p.Arg143Cys (NM_001363676.1); short protein forms R258C, R143C.
Identifiers: ClinVar variation 2039352 (VCV002039352.6), dbSNP rs2536205782, ClinGen allele CA370167303.